The following is an entry in ClinVar:

ClinVar aggregate classification (germline): Benign. Review status: criteria provided, multiple submitters, no conflicts (2 of 4 stars). 2 submissions from 2 submitters: Benign (2). Last evaluated 2018-01-12.

Conditions:
Neuropathy, hereditary sensory and autonomic, type 1C. Also called: HSAN IC; HSN IC. Identifiers: Orphanet 36386, MedGen C3150896, MONDO:0013337, OMIM 613640.

Allele frequency attached by ClinVar (database versions not stated): gnomAD exomes 0.00926; gnomAD 0.03459 and 0.03686; 1000 Genomes Project 0.03754; TOPMed 0.03816; 1000 Genomes Project 30x 0.03841.
gnomAD v4.1: 5,203 of 152,144 alleles (3.4%); highest among the groups gnomAD compares: African/African-American, 11%; 236 homozygotes.

Submissions (2):

Illumina Laboratory Services, Illumina
Classification: Benign for Neuropathy, hereditary sensory and autonomic, type 1C. Last evaluated: 2018-01-12. Review status: criteria provided, single submitter. Criteria: ICSL Variant Classification Criteria 13 December 2019. Collection method: clinical testing. Allele origin: germline.
Comment: This variant was observed in the ICSL laboratory as part of a predisposition screen in an ostensibly healthy population. It had not been previously curated by ICSL or reported in the Human Gene Mutation Database (HGMD: prior to June 1st, 2018), and was therefore a candidate for classification through an automated scoring system. Utilizing variant allele frequency, disease prevalence and penetrance estimates, and inheritance mode, an automated score was calculated to assess if this variant is too frequent to cause the disease. Based on the score and internal cut-off values, a variant classified as benign is not then subjected to further curation. The score for this variant resulted in a classification of benign for this disease.

Breakthrough Genomics
Classification: Benign. Review status: criteria provided, single submitter. Criteria: ACMG Guidelines, 2015. Collection method: not provided. Allele origin: germline. Inheritance: Autosomal dominant inheritance. Affected: yes.

NM_004863.4(SPTLC2):c.*1742C>T

Gene: SPTLC2 (serine palmitoyltransferase long chain base subunit 2; minus strand). Cytogenetic location: 14q24.3.
Variant type: single nucleotide variant.
Coding change: c.*1742C>T on transcript NM_004863.4 (MANE Select); 1742 bases downstream of the stop codon, C replaced by T.
Molecular consequence: 3 prime UTR variant.
Genome position (GRCh38, 1-based): chr14:77,510,542, G>A on the plus strand (C>T on the coding strand, the complement: SPTLC2 is on the minus strand). VCF-style: chr14-77510542-G-A. GRCh37 (hg19) VCF-style: chr14-77976885-G-A.
Identifiers: ClinVar variation 314635 (VCV000314635.6), dbSNP rs9323644, ClinGen allele CA10641161.